The following is an entry in ClinVar:

NM_001283009.2(RTEL1):c.2663T>G (p.Val888Gly)

Genes: RTEL1 (regulator of telomere elongation helicase 1; plus strand), RTEL1-TNFRSF6B (RTEL1-TNFRSF6B readthrough (NMD candidate); plus strand). Cytogenetic location: 20q13.33.
Variant type: single nucleotide variant.
Coding change: c.2663T>G on transcript NM_001283009.2 (MANE Select); coding-DNA position 2663, T replaced by G.
Protein change: p.Val888Gly; replaces valine 888 with glycine.
Molecular consequence: missense variant. On other transcripts: non-coding transcript variant (1).
Genome position (GRCh38, 1-based): chr20:63,692,815, T>G. VCF-style: chr20-63692815-T-G. GRCh37 (hg19) VCF-style: chr20-62324168-T-G.
Other names: c.1994T>G, p.Val665Gly (NM_001283010.1); c.2663T>G, p.Val888Gly (NM_016434.4); c.2735T>G, p.Val912Gly (NM_032957.5); short protein forms V665G, V912G, V888G.
Identifiers: ClinVar variation 2953159 (VCV002953159.3), dbSNP rs2517164590, ClinGen allele CA409682792.

ClinVar aggregate classification (germline): Uncertain significance (1 of 4 stars; one submission).

Conditions:
Dyskeratosis congenita, autosomal recessive 5 (DKCB5). Identifiers: MedGen C3554656, MONDO:0014076, OMIM 615190.
Pulmonary fibrosis and/or bone marrow failure, Telomere-related, 3. Also called: PULMONARY FIBROSIS AND/OR BONE MARROW FAILURE SYNDROME, TELOMERE-RELATED, 3. Identifiers: Orphanet 2032, MedGen C4225346, MONDO:0014613, OMIM 616373.

Submission:

Labcorp Genetics (formerly Invitae), Labcorp
Classification: Uncertain significance for Dyskeratosis congenita, autosomal recessive 5; Pulmonary fibrosis and/or bone marrow failure, Telomere-related, 3. Last evaluated: 2023-10-22. Review status: criteria provided, single submitter. Criteria: Invitae Variant Classification Sherloc (09022015). Collection method: clinical testing. Allele origin: germline.
Comment: This sequence change replaces valine, which is neutral and non-polar, with glycine, which is neutral and non-polar, at codon 888 of the RTEL1 protein (p.Val888Gly). This variant is not present in population databases (gnomAD no frequency). This variant has not been reported in the literature in individuals affected with RTEL1-related conditions. An algorithm developed to predict the effect of missense changes on protein structure and function (PolyPhen-2) suggests that this variant is likely to be tolerated. In summary, the available evidence is currently insufficient to determine the role of this variant in disease. Therefore, it has been classified as a Variant of Uncertain Significance.